The following is an entry in ClinVar:

ClinVar aggregate classification (germline): Uncertain significance (1 of 4 stars; one submission).

Submission:

Labcorp Genetics (formerly Invitae), Labcorp
Classification: Uncertain significance. Last evaluated: 2024-10-12. Review status: criteria provided, single submitter. Criteria: Invitae Variant Classification Sherloc (09022015). Collection method: clinical testing. Allele origin: germline.
Comment: This sequence change replaces arginine, which is basic and polar, with glutamine, which is neutral and polar, at codon 3844 of the KMT2A protein (p.Arg3844Gln). This variant is not present in population databases (gnomAD no frequency). This missense change has been observed in individual(s) with clinical features of KMT2A-related conditions (PMID: 28191889). Invitae Evidence Modeling of protein sequence and biophysical properties (such as structural, functional, and spatial information, amino acid conservation, physicochemical variation, residue mobility, and thermodynamic stability) has been performed for this missense variant. However, the output from this modeling did not meet the statistical confidence thresholds required to predict the impact of this variant on KMT2A protein function. In summary, the available evidence is currently insufficient to determine the role of this variant in disease. Therefore, it has been classified as a Variant of Uncertain Significance.

Literature cited by the submitters: PubMed 28191889.

NM_001197104.2(KMT2A):c.11531G>A (p.Arg3844Gln)

Genes: KMT2A (lysine methyltransferase 2A; plus strand), TTC36-AS1 (TTC36 and KMT2A antisense RNA 1; minus strand). Cytogenetic location: 11q23.3.
Variant type: single nucleotide variant.
Coding change: c.11531G>A on transcript NM_001197104.2 (MANE Select); coding-DNA position 11531, G replaced by A.
Protein change: p.Arg3844Gln; replaces arginine 3844 with glutamine.
Molecular consequence: missense variant. On other transcripts: non-coding transcript variant (5).
Genome position (GRCh38, 1-based): chr11:118,521,305, G>A. VCF-style: chr11-118521305-G-A. GRCh37 (hg19) VCF-style: chr11-118392020-G-A.
Other names: c.11621G>A, p.Arg3874Gln (NM_001412597.1); c.11522G>A, p.Arg3841Gln (NM_005933.4); short protein forms R3841Q, R3874Q, R3844Q.
Identifiers: ClinVar variation 2877653 (VCV002877653.3), dbSNP rs1950963704, ClinGen allele CA382835453.